The following is an entry in ClinVar:

ClinVar aggregate classification (germline): Uncertain significance (1 of 4 stars; one submission).

Conditions:
Temtamy preaxial brachydactyly syndrome (TPBS). Identifiers: Orphanet 363417, MedGen C1854466, MONDO:0011533, OMIM 605282.

Allele frequency attached by ClinVar (database versions not stated): gnomAD exomes below 0.00001.
gnomAD v4.1: 2 of 1,614,200 alleles (0.00012%); highest among the groups gnomAD compares: Non-Finnish European, 0.00017%; no homozygotes.

Submission:

Labcorp Genetics (formerly Invitae), Labcorp
Classification: Uncertain significance for Temtamy preaxial brachydactyly syndrome. Last evaluated: 2022-01-27. Review status: criteria provided, single submitter. Criteria: Invitae Variant Classification Sherloc (09022015). Collection method: clinical testing. Allele origin: germline.
Comment: In summary, the available evidence is currently insufficient to determine the role of this variant in disease. Therefore, it has been classified as a Variant of Uncertain Significance. Algorithms developed to predict the effect of missense changes on protein structure and function (SIFT, PolyPhen-2, Align-GVGD) all suggest that this variant is likely to be tolerated. This variant has not been reported in the literature in individuals affected with CHSY1-related conditions. This variant is not present in population databases (gnomAD no frequency). This sequence change replaces aspartic acid, which is acidic and polar, with glycine, which is neutral and non-polar, at codon 579 of the CHSY1 protein (p.Asp579Gly).

NM_014918.5(CHSY1):c.1736A>G (p.Asp579Gly)

Gene: CHSY1 (chondroitin sulfate synthase 1; minus strand). Cytogenetic location: 15q26.3.
Variant type: single nucleotide variant.
Coding change: c.1736A>G on transcript NM_014918.5 (MANE Select); coding-DNA position 1736, A replaced by G.
Protein change: p.Asp579Gly; replaces aspartic acid 579 with glycine.
Molecular consequence: missense variant.
Genome position (GRCh38, 1-based): chr15:101,178,061, T>C on the plus strand (A>G on the coding strand, the complement: CHSY1 is on the minus strand). VCF-style: chr15-101178061-T-C. GRCh37 (hg19) VCF-style: chr15-101718266-T-C.
Other names: short protein forms D579G.
Identifiers: ClinVar variation 1907843 (VCV001907843.5), dbSNP rs2505671166, ClinGen allele CA393958811.